The following is an entry in ClinVar:

NM_152383.5(DIS3L2):c.2307G>C (p.Glu769Asp)

Gene: DIS3L2 (DIS3 like 3'-5' exoribonuclease 2; plus strand). Cytogenetic location: 2q37.1.
Variant type: single nucleotide variant.
Coding change: c.2307G>C on transcript NM_152383.5 (MANE Select); coding-DNA position 2307, G replaced by C.
Protein change: p.Glu769Asp; replaces glutamic acid 769 with aspartic acid.
Molecular consequence: missense variant. On other transcripts: non-coding transcript variant (2), intron variant (1).
Genome position (GRCh38, 1-based): chr2:232,334,648, G>C. VCF-style: chr2-232334648-G-C. GRCh37 (hg19) VCF-style: chr2-233199358-G-C.
Other names: c.1582-8697G>C (NM_001257281.2); short protein forms E769D.
Identifiers: ClinVar variation 2107673 (VCV002107673.4), dbSNP rs2469449294, ClinGen allele CA350977935.
Genomic context (GRCh38, chr2:232,334,648, plus strand): 5'-GGCAGTGCCAGGAGGTGCCATGGCTGCAGCACTGTCCCTGCAGGAGAGTGGCCCCCTGGA[G>C]TCAGAAGCCATGGTGATGGGCATCCTGAAGCAAGCCTTCGACGTGCTGGTGCTGCGCTAC-3'
Protein context (NP_689596.4, residues 759-779): AVLVKESGPL[Glu769Asp]SEAMVMGILK

ClinVar aggregate classification (germline): Uncertain significance (1 of 4 stars; one submission).

Conditions:
Perlman syndrome (PRLMNS). Identifiers: Orphanet 2849, MedGen C0796113, MONDO:0009965, OMIM 267000.

Allele frequency attached by ClinVar (database versions not stated): gnomAD exomes below 0.00001.
gnomAD v4.1: 1 of 1,609,174 alleles (0.000062%); highest among the groups gnomAD compares: South Asian, 0.0011%; no homozygotes.

Submission:

Labcorp Genetics (formerly Invitae), Labcorp
Classification: Uncertain significance for Perlman syndrome. Last evaluated: 2022-03-08. Review status: criteria provided, single submitter. Criteria: Invitae Variant Classification Sherloc (09022015). Collection method: clinical testing. Allele origin: germline.
Comment: Algorithms developed to predict the effect of missense changes on protein structure and function (SIFT, PolyPhen-2, Align-GVGD) all suggest that this variant is likely to be tolerated. This variant has not been reported in the literature in individuals affected with DIS3L2-related conditions. This variant is not present in population databases (gnomAD no frequency). This sequence change replaces glutamic acid, which is acidic and polar, with aspartic acid, which is acidic and polar, at codon 769 of the DIS3L2 protein (p.Glu769Asp). In summary, the available evidence is currently insufficient to determine the role of this variant in disease. Therefore, it has been classified as a Variant of Uncertain Significance.